The following is an entry in ClinVar:

NM_024426.6(WT1):c.168A>G (p.Glu56=)

Genes: WT1 (WT1 transcription factor; minus strand), LOC107982234 (WT1/WT1-AS bi-directional promoter region; plus strand). Cytogenetic location: 11p13.
Variant type: single nucleotide variant.
Coding change: c.168A>G on transcript NM_024426.6 (MANE Select); coding-DNA position 168, A replaced by G.
Protein change: p.Glu56=; no amino-acid change (glutamic acid 56 retained).
Molecular consequence: synonymous variant. On other transcripts: 5 prime UTR variant (4), non-coding transcript variant (2).
Genome position (GRCh38, 1-based): chr11:32,435,193, T>C on the plus strand (A>G on the coding strand, the complement: WT1 is on the minus strand). VCF-style: chr11-32435193-T-C. GRCh37 (hg19) VCF-style: chr11-32456739-T-C.
Other names: c.168A>G, p.Glu56= (NM_000378.6, NM_001407044.1, NM_001407045.1 and 6 more transcripts); c.-52A>G (NM_001429031.1, NM_001429032.1, NM_001429033.1 and 1 more transcripts).
Identifiers: ClinVar variation 3386209 (VCV003386209.1).
Genomic context (GRCh38, chr11:32,435,193, plus strand): 5'-GGAGCCCATTTGCTGCGGCTCAGACCCGGACGCCCCGCGGCTCCTCCGGCCCTGGAGACG[T>C]TCAGCGCTGGCCTCGGCGGCGCCTAACTTGGCCCAGATGCCGCCCGGGTCCCGGACTCCC-3'
Protein context (NP_077744.4, residues 46-66): AKLGAAEASA[Glu56=]RLQGRRSRGA

ClinVar aggregate classification (germline): Likely benign (1 of 4 stars; one submission).

Conditions:
Wilms tumor 1 (WT1). Also called: Wilms tumor, somatic. Identifiers: Orphanet 654, MedGen CN033288, MONDO:0008679, OMIM 194070.

Submission:

All of Us Research Program, National Institutes of Health
Classification: Likely benign for Wilms tumor 1. Last evaluated: 2024-05-14. Review status: criteria provided, single submitter. Criteria: ACMG Guidelines, 2015. Collection method: clinical testing. Allele origin: germline. Inheritance: Autosomal dominant inheritance. Observed: 1 variant allele, 1 heterozygote.
Comment: This study involves interpretation of variants in research participants for the purpose of population health screening. Participant phenotype was not available at the time of variant classification. Additional details can be found in publication PMID: 35346344, PMCID: PMC8962531